The following is an entry in ClinVar:

ClinVar aggregate classification (germline): Uncertain significance (1 of 4 stars; one submission).

Conditions:
Cardiomyopathy (CMYO). Also called: Cardiomyopathies. Identifiers: Orphanet 167848, MedGen C0878544, MONDO:0004994, HP:0001638. Inheritance: Various modes of inheritance.

Submission:

Color Diagnostics, LLC DBA Color Health
Classification: Uncertain significance for Cardiomyopathy. Last evaluated: 2025-07-25. Review status: criteria provided, single submitter. Criteria: ACMG Guidelines, 2015. Collection method: clinical testing. Allele origin: germline.
Comment: This missense variant replaces serine with threonine at codon 268 of the RYR2 protein. Computational prediction suggests that this variant may not impact protein structure and function. To our knowledge, functional studies have not been reported for this variant. This variant has not been reported in individuals affected with RYR2-related disorders in the literature. This variant has not been identified in the general population by the Genome Aggregation Database (gnomAD). The available evidence is insufficient to determine the role of this variant in disease conclusively. Therefore, this variant is classified as a Variant of Uncertain Significance.

NM_001035.3(RYR2):c.802T>A (p.Ser268Thr)

Gene: RYR2 (ryanodine receptor 2; plus strand). Cytogenetic location: 1q43.
Variant type: single nucleotide variant.
Coding change: c.802T>A on transcript NM_001035.3 (MANE Select); coding-DNA position 802, T replaced by A.
Protein change: p.Ser268Thr; replaces serine 268 with threonine.
Molecular consequence: missense variant.
Genome position (GRCh38, 1-based): chr1:237,417,077, T>A. VCF-style: chr1-237417077-T-A. GRCh37 (hg19) VCF-style: chr1-237580377-T-A.
Other names: short protein forms S268T.
Identifiers: ClinVar variation 4759079 (VCV004759079.1).
Genomic context (GRCh38, chr1:237,417,077, plus strand): 5'-ACATTTGGGCTTTTGTTTGTTTGTTGAAACAGAACTGTTCATTATGAAGGTGGCGCTGTG[T>A]CTGTTCATGCACGTTCCCTTTGGAGACTAGAGACGCTAAGAGTTGCGTAAGTAGAACTTC-3'
Protein context (NP_001026.2, residues 258-278): RTVHYEGGAV[Ser268Thr]VHARSLWRLE